The following is an entry in ClinVar:

ClinVar aggregate classification (germline): Pathogenic (1 of 4 stars; one submission).

Conditions:
Hereditary nonpolyposis colon cancer (HNPCC). Also called: Hereditary nonpolyposis colorectal cancer; Familial nonpolyposis colon cancer; Hereditary Nonpolyposis Colorectal Cancer Syndrome. Identifiers: Orphanet 443909, MedGen C1333990, MONDO:0018630. Disease mechanism: loss of function.

Submission:

Women's Health and Genetics/Laboratory Corporation of America, LabCorp
Classification: Pathogenic for Hereditary nonpolyposis colon cancer. Last evaluated: 2021-02-26. Review status: criteria provided, single submitter. Criteria: LabCorp Variant Classification Summary - May 2015. Collection method: clinical testing. Allele origin: germline.
Comment: Variant summary: The variant identified by MLPA or other technology involves the deletion of exons 2-6 in the MSH6 gene. A presumed nomenclature of c.(260+1_261-1)_(3556+1_3557-1)del has been designated for the purposes of this classification. Although exact breakpoints of this deletion are not known, it is expected to result in a large deletion in the MSH6 gene, a known mechanism of disease. This deletion was not detected in 21572 control chromosomes (gnomAD, Structural Variants dataset). Deletion of exons 2-6 has been reported in the literature in at least one family screened for Lynch Syndrome (e.g. Baglietto_2010) and in an individual affected with colorectal cancer meeting Lynch Syndrome criteria (e.g. Pearlman_2019). These data indicate that the variant may be associated with disease. Tumor from a patient with the variant tested negative for MSH6 by IHC and was MSI-high (Pearlman_2019). One ClinVar submitter (evaluation after 2014) cites the variant as pathogenic. Based on the evidence outlined above, the variant was classified as pathogenic.

Literature cited by the submitters: PubMed 20028993; PubMed 30877237.

NC_000002.11:g.(48010633_48018065)_(48032167_48032756)del

Gene: MSH6 (mutS homolog 6; plus strand). Cytogenetic location: 2p16.3.
Variant type: Deletion.
Identifiers: ClinVar variation 1027594 (VCV001027594.1).